The following is an entry in ClinVar:

NM_001379200.1(TBX1):c.881A>G (p.Lys294Arg)

Gene: TBX1 (T-box transcription factor 1; plus strand). Cytogenetic location: 22q11.21.
Variant type: single nucleotide variant.
Coding change: c.881A>G on transcript NM_001379200.1 (MANE Select); coding-DNA position 881, A replaced by G.
Protein change: p.Lys294Arg; replaces lysine 294 with arginine.
Molecular consequence: missense variant.
Genome position (GRCh38, 1-based): chr22:19,765,771, A>G. VCF-style: chr22-19765771-A-G. GRCh37 (hg19) VCF-style: chr22-19753294-A-G.
Other names: c.854A>G, p.Lys285Arg (NM_005992.1, NM_080646.2, NM_080647.1); short protein forms K285R, K294R.
Identifiers: ClinVar variation 4886214 (VCV004886214.2).
Genomic context (GRCh38, chr22:19,765,771, plus strand): 5'-CCAGGCTGCAGGGCTCCAGCGGCTTGCTCACACCCACCTCCCTGCAGATCACGCAGCTCA[A>G]GATTGCCAGCAATCCCTTCGCGAAAGGCTTCCGGGACTGTGACCCTGAGGACTGGTGAGT-3'
Protein context (NP_001366129.1, residues 284-304): AYQNHRITQL[Lys294Arg]IASNPFAKGF

ClinVar aggregate classification (germline): Uncertain significance (1 of 4 stars; one submission).

Submission:

Dasa
Classification: Uncertain significance. Last evaluated: 2026-01-30. Review status: criteria provided, single submitter. Criteria: DASA Assertion Criteria. Collection method: clinical testing. Allele origin: germline.
Comment: NM_001379200.1(TBX1):c.881A>G (p.Lys294Arg) is a missense variant that results in the substitution of lysine with arginine. This variant is rare in population databases. Computational prediction algorithms are consistent with a deleterious effect. The currently available literature and clinical evidence are not sufficient to establish a definitive association between this variant and the reported condition. Therefore, this variant is classified as a variant of uncertain significance.